The following is an entry in ClinVar:

ClinVar aggregate classification (germline): Uncertain significance (1 of 4 stars; one submission).

Conditions:
Lopes-Maciel-Rodan syndrome (LOMARS). Identifiers: MedGen C4479491, MONDO:0054573, OMIM 617435.

gnomAD v4.1: 1 of 1,591,800 alleles (0.000063%); highest among the groups gnomAD compares: Non-Finnish European, 0.000086%; no homozygotes.

Submission:

Baylor Genetics
Classification: Uncertain significance for Lopes-Maciel-Rodan syndrome. Last evaluated: 2019-12-03. Review status: criteria provided, single submitter. Criteria: ACMG Guidelines, 2015. Collection method: clinical testing. Allele origin: unknown. Affected: yes.
Comment: This variant was determined to be of uncertain significance according to ACMG Guidelines, 2015 [PMID:25741868].

NM_001388492.1(HTT):c.1972G>A (p.Asp658Asn)

Gene: HTT (huntingtin; plus strand). Cytogenetic location: 4p16.3.
Variant type: single nucleotide variant.
Coding change: c.1972G>A on transcript NM_001388492.1 (MANE Select); coding-DNA position 1972, G replaced by A.
Protein change: p.Asp658Asn; replaces aspartic acid 658 with asparagine.
Molecular consequence: missense variant.
Genome position (GRCh38, 1-based): chr4:3,130,409, G>A. VCF-style: chr4-3130409-G-A. GRCh37 (hg19) VCF-style: chr4-3132136-G-A.
Other names: c.1978G>A, p.Asp660Asn (NM_002111.8); short protein forms D660N, D658N.
Identifiers: ClinVar variation 1029557 (VCV001029557.1), dbSNP rs1715752151, ClinGen allele CA356080557.